The following is an entry in ClinVar:

ClinVar aggregate classification (germline): Uncertain significance. Review status: criteria provided, multiple submitters, no conflicts (2 of 4 stars). 7 submissions from 7 submitters: Uncertain significance (5). 2 of the submissions do not count toward it. Last evaluated 2025-11-30.

Conditions:
Potassium-aggravated myotonia. Also called: SODIUM CHANNEL MUSCLE DISEASE; MYOTONIA CONGENITA, ACETAZOLAMIDE-RESPONSIVE; MYOTONIA CONGENITA, ATYPICAL; Myotonia congenita, atypical, acetazolamide-responsive. Identifiers: Orphanet 612, Orphanet 99734, Orphanet 99735, Orphanet 99736, MedGen C2931826, MONDO:0018959, OMIM 608390.
Congenital myopathy 22A, classic (CMYO22A). Identifiers: MedGen C5830453, MONDO:0957247, OMIM 620351.
Congenital myopathy 22B, severe fetal (CMYO22B). Identifiers: MedGen C5830501, MONDO:0957265, OMIM 620369.
Hypokalemic periodic paralysis, type 2 (HOKPP2). Identifiers: Orphanet 681, MedGen C2750061, MONDO:0013234, OMIM 613345.
Paramyotonia congenita of Von Eulenburg. Also called: Paramyotonia Congenita; Eulenburg disease; Myotonia congenita intermittens; Von Eulenburg paramyotonia congenita; PARALYSIS PERIODICA PARAMYOTONICA. Identifiers: Orphanet 684, MedGen C0221055, MONDO:0008195, OMIM 168300. Disease mechanism: loss of function.
Hyperkalemic periodic paralysis. Also called: Familial hyperkalemic periodic paralysis; Gamstorp disease. Identifiers: Orphanet 682, MedGen C0238357, MONDO:0008224, OMIM 170500, HP:0007215.
Congenital myasthenic syndrome 16. Identifiers: Orphanet 590, MedGen C3280112, MONDO:0013620, OMIM 614198.
SCN4A-related disorder. Also called: SCN4A-related disorders.

Allele frequency attached by ClinVar (database versions not stated): TOPMed 0.00004; gnomAD 0.00006; ExAC 0.00007; gnomAD exomes 0.00010 and 0.00007.
gnomAD v4.1: 161 of 1,613,970 alleles (0.01%); highest among the groups gnomAD compares: Middle Eastern, 0.016%; no homozygotes.

Submissions (7):

Labcorp Genetics (formerly Invitae), Labcorp
Classification: Uncertain significance for Hyperkalemic periodic paralysis. Last evaluated: 2025-11-30. Review status: criteria provided, single submitter. Criteria: Invitae Variant Classification Sherloc (09022015). Collection method: clinical testing. Allele origin: germline.
Comment: This sequence change replaces glycine, which is neutral and non-polar, with serine, which is neutral and polar, at codon 1537 of the SCN4A protein (p.Gly1537Ser). This variant is present in population databases (rs571210585, gnomAD 0.01%). This missense change has been observed in individual(s) with essential tremor and epilepsy (PMID: 26427606). It has also been observed to segregate with disease in related individuals. ClinVar contains an entry for this variant (Variation ID: 222028). Invitae Evidence Modeling of protein sequence and biophysical properties (such as structural, functional, and spatial information, amino acid conservation, physicochemical variation, residue mobility, and thermodynamic stability) indicates that this missense variant is expected to disrupt SCN4A protein function with a positive predictive value of 95%. Experimental studies have shown that this missense change affects SCN4A function (PMID: 26427606). In summary, the available evidence is currently insufficient to determine the role of this variant in disease. Therefore, it has been classified as a Variant of Uncertain Significance.

GeneDx
Classification: Uncertain significance. Last evaluated: 2025-09-23. Review status: criteria provided, single submitter. Criteria: GeneDx Variant Classification Process June 2021. Collection method: clinical testing. Allele origin: germline. Affected: yes.
Comment: Reported in 4 family members with tremor, 2 of whom also had seizures (PMID: 26427606); Published functional studies demonstrate a damaging effect on channel function (PMID: 26427606); In silico analysis supports that this missense variant has a deleterious effect on protein structure/function; This variant is associated with the following publications: (PMID: 34426522, 30476936, 26427606, 38837338, 34913263)

Athena Diagnostics
Classification: Uncertain significance. Last evaluated: 2025-04-01. Review status: criteria provided, single submitter. Criteria: Athena Diagnostics Criteria. Collection method: clinical testing. Allele origin: unknown.
Comment: Available data are insufficient to determine the clinical significance of the variant at this time. The frequency of this variant in the general population is uninformative in assessment of its pathogenicity. While experimental evidence suggests this variant results in abnormal protein function (PMID: 26427606), assessment of this evidence in relation to disease mechanism is inconclusive.

Fulgent Genetics
Classification: Uncertain significance for Paramyotonia congenita of Von Eulenburg; Hyperkalemic periodic paralysis; Potassium-aggravated myotonia; Hypokalemic periodic paralysis, type 2; Congenital myasthenic syndrome 16; Congenital myopathy 22A, classic; Congenital myopathy 22B, severe fetal. Last evaluated: 2024-05-07. Review status: criteria provided, single submitter. Criteria: ACMG Guidelines, 2015. Collection method: clinical testing. Allele origin: germline.

Revvity Omics, Revvity
Classification: Uncertain significance. Last evaluated: 2022-08-10. Review status: criteria provided, single submitter. Criteria: ACMG Guidelines, 2015. Collection method: clinical testing. Allele origin: germline.

PreventionGenetics, part of Exact Sciences
Classification: Uncertain significance for SCN4A-related condition. Last evaluated: 2024-09-20. Review status: no assertion criteria provided. Collection method: clinical testing. Allele origin: germline. Not counted in ClinVar's aggregate classification.
Comment: The SCN4A c.4609G>A variant is predicted to result in the amino acid substitution p.Gly1537Ser. This variant has been reported to segregate in five family members with tremors or tremors with seizures (Bergareche et al. 2015. PubMed ID: 26427606). However, this variant is also reported in 0.0093% (20/281418) of alleles in individuals of European (non-Finnish) descent in gnomAD and may be too common for an autosomal dominant variant. At this time, the clinical significance of this variant is uncertain due to the absence of conclusive functional and genetic evidence.

OMIM
Classification: Uncertain significance for VARIANT OF UNKNOWN SIGNIFICANCE. Last evaluated: 2024-07-16. Review status: no assertion criteria provided. Collection method: literature only. Allele origin: germline. Not counted in ClinVar's aggregate classification.

Literature cited by the submitters: PubMed 26427606 (cited by 3 submitters); PubMed 30476936 (cited by Athena Diagnostics); PubMed 32355288 (cited by Athena Diagnostics).

NM_000334.4(SCN4A):c.4609G>A (p.Gly1537Ser)

Genes: GH-LCR (growth hormone locus control region; plus strand), SCN4A (sodium voltage-gated channel alpha subunit 4; minus strand). Cytogenetic location: 17q23.3.
Variant type: single nucleotide variant.
Coding change: c.4609G>A on transcript NM_000334.4 (MANE Select); coding-DNA position 4609, G replaced by A.
Protein change: p.Gly1537Ser; replaces glycine 1537 with serine.
Molecular consequence: missense variant.
Genome position (GRCh38, 1-based): chr17:63,941,673, C>T on the plus strand (G>A on the coding strand, the complement: SCN4A is on the minus strand). VCF-style: chr17-63941673-C-T. GRCh37 (hg19) VCF-style: chr17-62019033-C-T.
Other names: SCN4A, GLY1537SER (rs571210585); short protein forms G1537S.
Identifiers: ClinVar variation 222028 (VCV000222028.24), dbSNP rs571210585, ClinGen allele CA354829.